The following is an entry in ClinVar:

NM_001130009.3(GEN1):c.2564G>A (p.Arg855Lys)

Gene: GEN1 (GEN1 structure-specific endonuclease; plus strand). Cytogenetic location: 2p24.2.
Variant type: single nucleotide variant.
Coding change: c.2564G>A on transcript NM_001130009.3 (MANE Select); coding-DNA position 2564, G replaced by A.
Protein change: p.Arg855Lys; replaces arginine 855 with lysine.
Molecular consequence: missense variant.
Genome position (GRCh38, 1-based): chr2:17,781,776, G>A. VCF-style: chr2-17781776-G-A. GRCh37 (hg19) VCF-style: chr2-17963043-G-A.
Other names: c.2564G>A, p.Arg855Lys (NM_182625.5); short protein forms R855K.
Identifiers: ClinVar variation 2884174 (VCV002884174.3), dbSNP rs531130654, ClinGen allele CA1540976.

ClinVar aggregate classification (germline): Uncertain significance (1 of 4 stars; one submission).

Allele frequency attached by ClinVar (database versions not stated): ExAC 0.00004; 1000 Genomes Project 30x 0.00016; TOPMed 0.00019; gnomAD exomes 0.00002; gnomAD 0.00007; 1000 Genomes Project 0.00020.
gnomAD v4.1: 38 of 1,612,144 alleles (0.0024%); highest among the groups gnomAD compares: Admixed American, 0.027%; no homozygotes.

Submission:

Labcorp Genetics (formerly Invitae), Labcorp
Classification: Uncertain significance. Last evaluated: 2025-07-21. Review status: criteria provided, single submitter. Criteria: Invitae Variant Classification Sherloc (09022015). Collection method: clinical testing. Allele origin: germline.
Comment: This sequence change replaces arginine, which is basic and polar, with lysine, which is basic and polar, at codon 855 of the GEN1 protein (p.Arg855Lys). This variant is present in population databases (rs531130654, gnomAD 0.02%). This missense change has been observed in individual(s) with breast cancer (PMID: 31780696). ClinVar contains an entry for this variant (Variation ID: 2884174). An algorithm developed to predict the effect of missense changes on protein structure and function outputs the following: PolyPhen-2: "Benign". The lysine amino acid residue is found in multiple mammalian species, which suggests that this missense change does not adversely affect protein function. In summary, the available evidence is currently insufficient to determine the role of this variant in disease. Therefore, it has been classified as a Variant of Uncertain Significance.

Literature cited by the submitters: PubMed 31780696.